The following is an entry in ClinVar:

ClinVar aggregate classification (germline): Uncertain significance. Review status: criteria provided, multiple submitters, no conflicts (2 of 4 stars). 3 submissions from 3 submitters: Uncertain significance (3). Last evaluated 2025-02-09.

Conditions:
Hereditary cancer-predisposing syndrome. Also called: Tumor predisposition; Neoplastic Syndromes, Hereditary; Hereditary Cancer Syndrome; Hereditary neoplastic syndrome. Identifiers: Orphanet 140162, MedGen C0027672, MeSH D009386, MONDO:0015356.
Cardiovascular phenotype. Identifiers: MedGen CN230736.
Neurofibromatosis, type 1 (NF1). Also called: Neurofibromatosis, type I; NEUROFIBROMATOSIS, TYPE I, SOMATIC; Peripheral type neurofibromatosis; VON RECKLINGHAUSEN DISEASE. Identifiers: Orphanet 636, MedGen C0027831, MONDO:0018975, OMIM 162200. Disease mechanism: loss of function.

Submissions (3):

Labcorp Genetics (formerly Invitae), Labcorp
Classification: Uncertain significance for Neurofibromatosis, type 1. Last evaluated: 2025-02-09. Review status: criteria provided, single submitter. Criteria: Invitae Variant Classification Sherloc (09022015). Collection method: clinical testing. Allele origin: germline.
Comment: This sequence change replaces threonine, which is neutral and polar, with isoleucine, which is neutral and non-polar, at codon 1860 of the NF1 protein (p.Thr1860Ile). This variant is not present in population databases (gnomAD no frequency). This variant has not been reported in the literature in individuals affected with NF1-related conditions. ClinVar contains an entry for this variant (Variation ID: 404463). Invitae Evidence Modeling of protein sequence and biophysical properties (such as structural, functional, and spatial information, amino acid conservation, physicochemical variation, residue mobility, and thermodynamic stability) indicates that this missense variant is expected to disrupt NF1 protein function with a positive predictive value of 95%. In summary, the available evidence is currently insufficient to determine the role of this variant in disease. Therefore, it has been classified as a Variant of Uncertain Significance.

Genome-Nilou Lab
Classification: Uncertain significance for Neurofibromatosis, type 1. Last evaluated: 2022-03-15. Review status: criteria provided, single submitter. Criteria: ACMG Guidelines, 2015. Collection method: clinical testing. Allele origin: germline. Affected: no.

Ambry Genetics
Classification: Uncertain significance for Cardiovascular phenotype; Hereditary cancer-predisposing syndrome. Last evaluated: 2016-07-18. Review status: criteria provided, single submitter. Criteria: Ambry Variant Classification Scheme 2023. Collection method: clinical testing. Allele origin: germline.
Comment: The p.T1860I variant (also known as c.5579C>T), located in coding exon 38 of the NF1 gene, results from a C to T substitution at nucleotide position 5579. The threonine at codon 1860 is replaced by isoleucine, an amino acid with similar properties. This variant was not reported in population based cohorts in the following databases: Database of Single Nucleotide Polymorphisms (dbSNP), NHLBI Exome Sequencing Project (ESP), and 1000 Genomes Project. In the ESP, this variant was not observed in 6503 samples (13006 alleles) with coverage at this position. To date, this alteration has been detected with an allele frequency of approximately 0.001% (greater than 175000 alleles tested) in our clinical cohort. This amino acid position is highly conserved in available vertebrate species. In addition, the in silico prediction for this alteration is inconclusive. Since supporting evidence is limited at this time, the clinical significance of this alteration remains unclear.

NM_001042492.3(NF1):c.5642C>T (p.Thr1881Ile)

Gene: NF1 (neurofibromin 1; plus strand). Cytogenetic location: 17q11.2.
Variant type: single nucleotide variant.
Coding change: c.5642C>T on transcript NM_001042492.3 (MANE Select); coding-DNA position 5642, C replaced by T.
Protein change: p.Thr1881Ile; replaces threonine 1881 with isoleucine.
Molecular consequence: missense variant.
Genome position (GRCh38, 1-based): chr17:31,330,328, C>T. VCF-style: chr17-31330328-C-T. GRCh37 (hg19) VCF-style: chr17-29657346-C-T.
Other names: c.5579C>T, p.Thr1860Ile (NM_000267.4); short protein forms T1860I, T1881I.
Identifiers: ClinVar variation 404463 (VCV000404463.10), dbSNP rs876658349, ClinGen allele CA16615269.